The following is an entry in ClinVar:

ClinVar aggregate classification (germline): Uncertain significance. Review status: criteria provided, multiple submitters, no conflicts (2 of 4 stars). 2 submissions from 2 submitters: Uncertain significance (2). Last evaluated 2025-10-27.

Allele frequency attached by ClinVar (database versions not stated): gnomAD exomes 0.00003; ExAC 0.00005; gnomAD 0.00007; TOPMed 0.00013; ESP Exome Variant Server 0.00023.
gnomAD v4.1: 57 of 1,613,868 alleles (0.0035%); highest among the groups gnomAD compares: African/African-American, 0.008%; no homozygotes.

Submissions (2):

Labcorp Genetics (formerly Invitae), Labcorp
Classification: Uncertain significance. Last evaluated: 2025-10-27. Review status: criteria provided, single submitter. Criteria: Invitae Variant Classification Sherloc (09022015). Collection method: clinical testing. Allele origin: germline.
Comment: This sequence change replaces proline, which is neutral and non-polar, with leucine, which is neutral and non-polar, at codon 897 of the EMC1 protein (p.Pro897Leu). This variant is present in population databases (rs146583625, gnomAD 0.02%). This variant has not been reported in the literature in individuals affected with EMC1-related conditions. ClinVar contains an entry for this variant (Variation ID: 1428569). Invitae Evidence Modeling of protein sequence and biophysical properties (such as structural, functional, and spatial information, amino acid conservation, physicochemical variation, residue mobility, and thermodynamic stability) indicates that this missense variant is expected to disrupt EMC1 protein function with a positive predictive value of 80%. In summary, the available evidence is currently insufficient to determine the role of this variant in disease. Therefore, it has been classified as a Variant of Uncertain Significance.

GeneDx
Classification: Uncertain significance. Last evaluated: 2024-10-31. Review status: criteria provided, single submitter. Criteria: GeneDx Variant Classification Process June 2021. Collection method: clinical testing. Allele origin: germline. Affected: yes.
Comment: In silico analysis supports that this missense variant has a deleterious effect on protein structure/function; Has not been previously published as pathogenic or benign to our knowledge

NM_015047.3(EMC1):c.2690C>T (p.Pro897Leu)

Genes: EMC1 (ER membrane protein complex subunit 1; minus strand), EMC1-AS1 (EMC1 antisense RNA 1; plus strand). Cytogenetic location: 1p36.13.
Variant type: single nucleotide variant.
Coding change: c.2690C>T on transcript NM_015047.3 (MANE Select); coding-DNA position 2690, C replaced by T.
Protein change: p.Pro897Leu; replaces proline 897 with leucine.
Molecular consequence: missense variant.
Genome position (GRCh38, 1-based): chr1:19,219,681, G>A on the plus strand (C>T on the coding strand, the complement: EMC1 is on the minus strand). VCF-style: chr1-19219681-G-A. GRCh37 (hg19) VCF-style: chr1-19546175-G-A.
Other names: c.2690C>T (NM_015047.2); c.2687C>T, p.Pro896Leu (NM_001271427.2, NM_001271428.2); c.2624C>T, p.Pro875Leu (NM_001271429.2); c.2699C>T, p.Pro900Leu (NM_001375820.1); c.2696C>T, p.Pro899Leu (NM_001375821.1); short protein forms P897L, P899L, P875L, P896L, P900L.
Identifiers: ClinVar variation 1428569 (VCV001428569.6), dbSNP rs146583625, ClinGen allele CA652172.
Genomic context (GRCh38, chr1:19,219,681, plus strand): 5'-GAAACTGTCTGGTTATAGTTGATGAATCGCTCTGCGTGTATCTGTACATCTGGAGAATAC[G>A]GGATTAAGTTCTCCTCTCTGCAAAACACCAGCCGGGACAGGCAGTCTGAGCACTGCTGTA-3'
Protein context (NP_055862.1, residues 887-907): TEQSREENLI[Pro897Leu]YSPDVQIHAE